The following is an entry in ClinVar:

NM_025136.4(OPA3):c.109T>C (p.Phe37Leu)

Genes: OPA3 (outer mitochondrial membrane lipid metabolism regulator OPA3; minus strand), OPA3-RTN2 (OPA3-RTN2 readthrough; minus strand). Cytogenetic location: 19q13.32.
Variant type: single nucleotide variant.
Coding change: c.109T>C on transcript NM_025136.4 (MANE Select); coding-DNA position 109, T replaced by C.
Protein change: p.Phe37Leu; replaces phenylalanine 37 with leucine.
Molecular consequence: missense variant.
Genome position (GRCh38, 1-based): chr19:45,584,656, A>G on the plus strand (T>C on the coding strand, the complement: OPA3 is on the minus strand). VCF-style: chr19-45584656-A-G. GRCh37 (hg19) VCF-style: chr19-46087914-A-G.
Other names: c.109T>C, p.Phe37Leu (NM_001017989.3); short protein forms F37L.
Identifiers: ClinVar variation 3762361 (VCV003762361.2).
Genomic context (GRCh38, chr19:45,584,656, plus strand): 5'-GTTGGAGGGAATTCGGGTCAGACTCACGTTGAGCCGGCGGGAGGCAGATATAGGTCTTGA[A>G]GAACTCGCTTCGGCGGGCGGCCTCCTTAATACGGTTGGCAAGCGGCTTGCTGACCTGCCG-3'
Protein context (NP_079412.1, residues 27-47): IKEAARRSEF[Phe37Leu]KTYICLPPAQ

ClinVar aggregate classification (germline): Uncertain significance (1 of 4 stars; one submission).

Conditions:
Optic atrophy 3 (OPA3). Also called: OPTIC ATROPHY 3, AUTOSOMAL DOMINANT; Optic atrophy, cataract, and neurologic disorder; Optic atrophy 3 with cataract. Identifiers: Orphanet 67036, MedGen C1833809, MONDO:0008133, OMIM 165300.
3-Methylglutaconic aciduria type 3 (MGCA3). Also called: OPA3, AUTOSOMAL RECESSIVE; OPTIC ATROPHY 3, AUTOSOMAL RECESSIVE; OPA3-Related 3-Methylglutaconic Aciduria; Costeff Syndrome. Identifiers: Orphanet 67047, MedGen C0574084, MONDO:0009787, OMIM 258501.

Submission:

Labcorp Genetics (formerly Invitae), Labcorp
Classification: Uncertain significance for 3-Methylglutaconic aciduria type 3; Optic atrophy 3. Last evaluated: 2025-10-15. Review status: criteria provided, single submitter. Criteria: Invitae Variant Classification Sherloc (09022015). Collection method: clinical testing. Allele origin: germline.
Comment: This sequence change replaces phenylalanine, which is neutral and non-polar, with leucine, which is neutral and non-polar, at codon 37 of the OPA3 protein (p.Phe37Leu). This variant is not present in population databases (gnomAD no frequency). This variant has not been reported in the literature in individuals affected with OPA3-related conditions. ClinVar contains an entry for this variant (Variation ID: 3762361). An algorithm developed to predict the effect of missense changes on protein structure and function (PolyPhen-2) suggests that this variant is likely to be tolerated. In summary, the available evidence is currently insufficient to determine the role of this variant in disease. Therefore, it has been classified as a Variant of Uncertain Significance.